The following is an entry in ClinVar:

NM_021153.4(CDH19):c.977A>C (p.His326Pro)

Gene: CDH19 (cadherin 19; minus strand). Cytogenetic location: 18q22.1.
Variant type: single nucleotide variant.
Coding change: c.977A>C on transcript NM_021153.4 (MANE Select); coding-DNA position 977, A replaced by C.
Protein change: p.His326Pro; replaces histidine 326 with proline.
Molecular consequence: missense variant. On other transcripts: non-coding transcript variant (1).
Genome position (GRCh38, 1-based): chr18:66,544,208, T>G on the plus strand (A>C on the coding strand, the complement: CDH19 is on the minus strand). VCF-style: chr18-66544208-T-G. GRCh37 (hg19) VCF-style: chr18-64211445-T-G.
Other names: c.977A>C, p.His326Pro (NM_001271028.2); short protein forms H326P.
Identifiers: ClinVar variation 708467 (VCV000708467.5), dbSNP rs146495985, ClinGen allele CA8992003.

ClinVar aggregate classification (germline): Likely benign. Review status: criteria provided, single submitter (1 of 4 stars). 2 submissions from 2 submitters: Likely benign (1). 1 of the submissions does not count toward it. Last evaluated 2018-07-17.

Conditions:
CDH19-related disorder. Also called: CDH19-related condition.

Allele frequency attached by ClinVar (database versions not stated): 1000 Genomes Project 30x 0.00109; TOPMed 0.00117; 1000 Genomes Project 0.00120; gnomAD exomes 0.00158 and 0.00169; ExAC 0.00161; gnomAD 0.00192 and 0.00195; ESP Exome Variant Server 0.00261.

Submissions (2):

Labcorp Genetics (formerly Invitae), Labcorp
Classification: Likely benign. Last evaluated: 2018-07-17. Review status: criteria provided, single submitter. Criteria: Invitae Variant Classification Sherloc (09022015). Collection method: clinical testing. Allele origin: germline.

PreventionGenetics, part of Exact Sciences
Classification: Likely benign for CDH19-related condition. Last evaluated: 2020-10-28. Review status: no assertion criteria provided. Collection method: clinical testing. Allele origin: germline. Not counted in ClinVar's aggregate classification.
Comment: This variant is classified as likely benign based on ACMG/AMP sequence variant interpretation guidelines (Richards et al. 2015 PMID: 25741868, with internal and published modifications).